The following is an entry in ClinVar:

NM_001999.4(FBN2):c.3727A>G (p.Ile1243Val)

Gene: FBN2 (fibrillin 2; minus strand). Cytogenetic location: 5q23.3.
Variant type: single nucleotide variant.
Coding change: c.3727A>G on transcript NM_001999.4 (MANE Select); coding-DNA position 3727, A replaced by G.
Protein change: p.Ile1243Val; replaces isoleucine 1243 with valine.
Molecular consequence: missense variant.
Genome position (GRCh38, 1-based): chr5:128,335,575, T>C on the plus strand (A>G on the coding strand, the complement: FBN2 is on the minus strand). VCF-style: chr5-128335575-T-C. GRCh37 (hg19) VCF-style: chr5-127671267-T-C.
Other names: short protein forms I1243V.
Identifiers: ClinVar variation 2724858 (VCV002724858.3), dbSNP rs2479802002, ClinGen allele CA360758164.

ClinVar aggregate classification (germline): Uncertain significance (1 of 4 stars; one submission).

Conditions:
Congenital contractural arachnodactyly (CCA). Also called: BEALS SYNDROME; Arthrogryposis, distal, type 9; Beals-Hecht syndrome. Identifiers: Orphanet 115, MedGen C0220668, MONDO:0007363, OMIM 121050.

gnomAD v4.1: 4 of 1,614,192 alleles (0.00025%); no homozygotes.

Submission:

Labcorp Genetics (formerly Invitae), Labcorp
Classification: Uncertain significance for Congenital contractural arachnodactyly. Last evaluated: 2024-05-31. Review status: criteria provided, single submitter. Criteria: Invitae Variant Classification Sherloc (09022015). Collection method: clinical testing. Allele origin: germline.
Comment: This sequence change replaces isoleucine, which is neutral and non-polar, with valine, which is neutral and non-polar, at codon 1243 of the FBN2 protein (p.Ile1243Val). This variant is not present in population databases (gnomAD no frequency). This variant has not been reported in the literature in individuals affected with FBN2-related conditions. Algorithms developed to predict the effect of missense changes on protein structure and function output the following: SIFT: "Not Available"; PolyPhen-2: "Benign"; Align-GVGD: "Not Available". The valine amino acid residue is found in multiple mammalian species, which suggests that this missense change does not adversely affect protein function. In summary, the available evidence is currently insufficient to determine the role of this variant in disease. Therefore, it has been classified as a Variant of Uncertain Significance.